The following is an entry in ClinVar:

ClinVar aggregate classification (germline): Benign/Likely benign. Review status: criteria provided, multiple submitters, no conflicts (2 of 4 stars). 4 submissions from 4 submitters: Benign (2); Likely benign (2). Last evaluated 2025-05-01.

Allele frequency attached by ClinVar (database versions not stated): gnomAD exomes 0.00183; ExAC 0.00228; 1000 Genomes Project 0.00300; 1000 Genomes Project 30x 0.00312; gnomAD 0.00312 and 0.00330; ESP Exome Variant Server 0.00346; TOPMed 0.00389.

Submissions (4):

CeGaT Center for Human Genetics Tuebingen
Classification: Likely benign. Last evaluated: 2025-05-01. Review status: criteria provided, single submitter. Criteria: CeGaT Center For Human Genetics Tuebingen Variant Classification Criteria Version 2. Collection method: clinical testing. Allele origin: germline. Affected: yes. Observed: 2 variant alleles.
Comment: GOLGA2: BP4, BS2

Blueprint Genetics
Classification: Likely benign. Last evaluated: 2024-11-26. Review status: criteria provided, single submitter. Criteria: ACMG Guidelines, 2015. Collection method: clinical testing. Allele origin: germline.

Labcorp Genetics (formerly Invitae), Labcorp
Classification: Benign. Last evaluated: 2017-06-06. Review status: criteria provided, single submitter. Criteria: Invitae Variant Classification Sherloc (09022015). Collection method: clinical testing. Allele origin: germline.

Breakthrough Genomics
Classification: Benign. Review status: criteria provided, single submitter. Criteria: ACMG Guidelines, 2015. Collection method: not provided. Allele origin: germline. Inheritance: Autosomal recessive inheritance. Affected: yes.

NM_001366244.2(GOLGA2):c.2345G>A (p.Arg782His)

Gene: GOLGA2 (golgin A2; minus strand). Cytogenetic location: 9q34.11.
Variant type: single nucleotide variant.
Coding change: c.2345G>A on transcript NM_001366244.2 (MANE Select); coding-DNA position 2345, G replaced by A.
Protein change: p.Arg782His; replaces arginine 782 with histidine.
Molecular consequence: missense variant.
Genome position (GRCh38, 1-based): chr9:128,258,143, C>T on the plus strand (G>A on the coding strand, the complement: GOLGA2 is on the minus strand). VCF-style: chr9-128258143-C-T. GRCh37 (hg19) VCF-style: chr9-131020422-C-T.
Other names: c.2264G>A, p.Arg755His (NM_001366246.2, NM_004486.6); c.2330G>A, p.Arg777His (NM_001389695.2); c.2327G>A, p.Arg776His (NM_001389696.2); c.2252G>A, p.Arg751His (NM_001389697.2); c.2246G>A, p.Arg749His (NM_001389698.2); c.2225G>A, p.Arg742His (NM_001389699.2, NM_001389700.2); c.2183G>A, p.Arg728His (NM_001389701.2); c.2159G>A, p.Arg720His (NM_001389702.2); and 3 more; short protein forms R624H, R631H, R715H, R720H, R728H, R742H, R749H, R751H.
Identifiers: ClinVar variation 774203 (VCV000774203.29), dbSNP rs146408180, ClinGen allele CA5258755.